The following is an entry in ClinVar:

NM_001004334.4(GPR179):c.5344G>A (p.Asp1782Asn)

Gene: GPR179 (G protein-coupled receptor 179; minus strand). Cytogenetic location: 17q12.
Variant type: single nucleotide variant.
Coding change: c.5344G>A on transcript NM_001004334.4 (MANE Select); coding-DNA position 5344, G replaced by A.
Protein change: p.Asp1782Asn; replaces aspartic acid 1782 with asparagine.
Molecular consequence: missense variant.
Genome position (GRCh38, 1-based): chr17:38,328,225, C>T on the plus strand (G>A on the coding strand, the complement: GPR179 is on the minus strand). VCF-style: chr17-38328225-C-T. GRCh37 (hg19) VCF-style: chr17-36484108-C-T.
Other names: short protein forms D1782N.
Identifiers: ClinVar variation 1501416 (VCV001501416.5), dbSNP rs191013513, ClinGen allele CA290103621.

ClinVar aggregate classification (germline): Uncertain significance. Review status: criteria provided, multiple submitters, no conflicts (2 of 4 stars). 2 submissions from 2 submitters: Uncertain significance (2). Last evaluated 2024-11-05.

Allele frequency attached by ClinVar (database versions not stated): gnomAD exomes 0.00007 and 0.00012; ExAC 0.00011; gnomAD 0.00014 and 0.00015; TOPMed 0.00019; 1000 Genomes Project 0.00040; 1000 Genomes Project 30x 0.00062.
gnomAD v4.1: 129 of 1,613,776 alleles (0.008%); highest among the groups gnomAD compares: Admixed American, 0.063%; no homozygotes.

Submissions (2):

Labcorp Genetics (formerly Invitae), Labcorp
Classification: Uncertain significance. Last evaluated: 2024-11-05. Review status: criteria provided, single submitter. Criteria: Invitae Variant Classification Sherloc (09022015). Collection method: clinical testing. Allele origin: germline.
Comment: This sequence change replaces aspartic acid, which is acidic and polar, with asparagine, which is neutral and polar, at codon 1782 of the GPR179 protein (p.Asp1782Asn). This variant is present in population databases (rs191013513, gnomAD 0.05%). This missense change has been observed in individual(s) with inherited retinal dystrophy (PMID: 32483926). ClinVar contains an entry for this variant (Variation ID: 1501416). An algorithm developed to predict the effect of missense changes on protein structure and function (PolyPhen-2) suggests that this variant is likely to be disruptive. In summary, the available evidence is currently insufficient to determine the role of this variant in disease. Therefore, it has been classified as a Variant of Uncertain Significance.

Blueprint Genetics
Classification: Uncertain significance. Last evaluated: 2024-08-19. Review status: criteria provided, single submitter. Criteria: ACMG Guidelines, 2015. Collection method: clinical testing. Allele origin: germline.

Literature cited by the submitters: PubMed 32483926 (cited by Labcorp Genetics (formerly Invitae), Labcorp).